The following is an entry in ClinVar:

ClinVar aggregate classification (germline): Likely benign (1 of 4 stars; one submission).

Allele frequency attached by ClinVar (database versions not stated): 1000 Genomes Project 30x 0.00016; TOPMed 0.00111.
gnomAD v4.1: 1,096 of 1,606,674 alleles (0.068%); highest among the groups gnomAD compares: Middle Eastern, 0.35%; 10 homozygotes.

Submission:

CeGaT Center for Human Genetics Tuebingen
Classification: Likely benign. Last evaluated: 2022-11-01. Review status: criteria provided, single submitter. Criteria: CeGaT Center For Human Genetics Tuebingen Variant Classification Criteria Version 2. Collection method: clinical testing. Allele origin: germline. Affected: yes. Observed: 1 variant allele.
Comment: DHX36: BP4, BP7, BS2

NM_020865.3(DHX36):c.75G>A (p.Gly25=)

Gene: DHX36 (DEAH-box helicase 36). Cytogenetic location: 3q25.2.
Variant type: single nucleotide variant.
Coding change: c.75G>A on transcript NM_020865.3 (MANE Select); coding-DNA position 75, G replaced by A.
Protein change: p.Gly25=; no amino-acid change (glycine 25 retained).
Molecular consequence: synonymous variant.
Genome position (GRCh38, 1-based): chr3:154,324,342, C>T on the plus strand (G>A on the coding strand, the complement: DHX36 is on the minus strand). VCF-style: chr3-154324342-C-T. GRCh37 (hg19) VCF-style: chr3-154042131-C-T.
Other names: c.75G>A, p.Gly25= (NM_001114397.2).
Identifiers: ClinVar variation 2654244 (VCV002654244.24), dbSNP rs201413099, ClinGen allele CA2674410.
Genomic context (GRCh38, chr3:154,324,342, plus strand): 5'-ACCCCCTCCGCCGCCGCCGCCTCCTCCGGAGCCTCGGTTACCTCCATGACCCCCTGCTGG[C>T]CCCCCTCCATAGCCCCCACCGGAGCTGCGGGGACCCCCATCACGGCCCCAGTTCTGATGG-3'
Protein context (NP_065916.2, residues 15-35): PRSSGGGYGG[Gly25=]PAGGHGGNRG